The following is an entry in ClinVar:

ClinVar aggregate classification (germline): Pathogenic/Likely pathogenic. Review status: criteria provided, multiple submitters, no conflicts (2 of 4 stars). 4 submissions from 4 submitters: Pathogenic (2); Likely pathogenic (2). Last evaluated 2026-10-13.

Conditions:
Inborn genetic diseases. Identifiers: MedGen C0950123, MeSH D030342.
Developmental delay with or without epilepsy (DEVEP). Identifiers: MedGen C5882702, MONDO:0957815, OMIM 620540.
Developmental and epileptic encephalopathy, 5 (DEE5). Identifiers: Orphanet 3451, MedGen C3150731, MONDO:0013277, OMIM 613477.

Allele frequency attached by ClinVar (database versions not stated): gnomAD exomes below 0.00001.
gnomAD v4.1: 1 of 1,614,120 alleles (0.000062%); highest among the groups gnomAD compares: Non-Finnish European, 0.000085%; no homozygotes.

Submissions (4):

HudsonAlpha Institute for Biotechnology
Classification: Likely pathogenic for Developmental and epileptic encephalopathy, 5. Last evaluated: 2026-10-13. Review status: criteria provided, single submitter. Criteria: ACMG Guidelines, 2015. Collection method: research. Allele origin: unknown. Inheritance: Autosomal dominant inheritance. Observed: 1 variant allele. Study: HudsonAlpha-AGHI-WGS.
Comment: ACMG codes: PM2

Concord Molecular Medicine Laboratory, Concord Repatriation General Hospital
Classification: Pathogenic for Developmental delay with or without epilepsy. Last evaluated: 2026-06-08. Review status: criteria provided, single submitter. Criteria: ACMG Guidelines, 2015. Collection method: clinical testing. Allele origin: de novo. Inheritance: Sporadic. Affected: yes. Observed: 1 variant allele, 1 heterozygote.
Comment: The variant results in a premature termination codon at position 25 of the SPTAN1 protein, and the variant transript is predicted to be subject to nonsense mediated decay. Loss of function is a known disease mechanism in SPTAN1. This variant has been observed once in control population database (gnomAD v4.1.0).

GeneDx
Classification: Pathogenic. Last evaluated: 2024-06-06. Review status: criteria provided, single submitter. Criteria: GeneDx Variant Classification Process June 2021. Collection method: clinical testing. Allele origin: germline. Affected: yes.
Comment: Nonsense variant predicted to result in protein truncation or nonsense mediated decay in a gene for which loss of function is a known mechanism of disease; Not observed at significant frequency in large population cohorts (gnomAD); Has not been previously published as pathogenic or benign to our knowledge

Ambry Genetics
Classification: Likely pathogenic for Inborn genetic diseases. Last evaluated: 2023-12-22. Review status: criteria provided, single submitter. Criteria: Ambry Variant Classification Scheme 2023. Collection method: clinical testing. Allele origin: germline.
Comment: The c.73C>T (p.R25*) alteration, located in exon 2 (coding exon 1) of the SPTAN1 gene, consists of a C to T substitution at nucleotide position 73. This changes the amino acid from a arginine (R) to a stop codon at amino acid position 25. The predicted stop codon occurs in the 5' end of the SPTAN1 gene. Premature termination codons in the 5&rsquo; end of a gene have been reported to escape nonsense-mediated mRNA decay and/or lead to re-initiation (Rivas, 2015; Lindeboom, 2016; Rhee, 2017). Direct evidence for this alteration is unavailable; however, premature termination codons are typically deleterious in nature._x000D_ _x000D_ for SPTAN1-related neurologic disorders; however, its clinical significance for SPTAN1-related developmental and epileptic encephalopathy is uncertain. This variant was not reported in population-based cohorts in the Genome Aggregation Database (gnomAD). Based on the available evidence, this alteration is classified as likely pathogenic.

Literature cited by the submitters: PubMed 31332438 (cited by Concord Molecular Medicine Laboratory, Concord Repatriation General Hospital); PubMed 33206935 (cited by Concord Molecular Medicine Laboratory, Concord Repatriation General Hospital); PubMed 25954003 (cited by Ambry Genetics); PubMed 27618451 (cited by Ambry Genetics); PubMed 28490743 (cited by Ambry Genetics).

NM_001130438.3(SPTAN1):c.73C>T (p.Arg25Ter)

Gene: SPTAN1 (spectrin alpha, non-erythrocytic 1; plus strand). Cytogenetic location: 9q34.11.
Variant type: single nucleotide variant.
Coding change: c.73C>T on transcript NM_001130438.3 (MANE Select); coding-DNA position 73, C replaced by T.
Protein change: p.Arg25Ter; replaces arginine 25 with a stop codon.
Molecular consequence: nonsense.
Genome position (GRCh38, 1-based): chr9:128,566,813, C>T. VCF-style: chr9-128566813-C-T. GRCh37 (hg19) VCF-style: chr9-131329092-C-T.
Other names: c.73C>T (NM_001130438.2); c.73C>T, p.Arg25Ter (NM_001195532.2, NM_001363759.2, NM_001363765.2 and 5 more transcripts); c.109C>T, p.Arg37Ter (NM_001375312.2, NM_001375318.1); short protein forms R25*, R37*.
Identifiers: ClinVar variation 1684519 (VCV001684519.5), dbSNP rs2132957934, ClinGen allele CA375049507.
Genomic context (GRCh38, chr9:128,566,813, plus strand): 5'-GGGGTCAAAGTGCTGGAAACAGCAGAGGACATCCAGGAGAGGCGGCAGCAGGTCCTAGAC[C>T]GATACCACCGCTTCAAGGAACTCTCAACCCTTAGGCGTCAGAAGCTGGAAGATTCCTATC-3'